The following is an entry in ClinVar:

ClinVar aggregate classification (germline): Uncertain significance (1 of 4 stars; one submission).

Conditions:
Skraban-Deardorff syndrome. Also called: INTELLECTUAL DISABILITY WITH SEIZURES, ABNORMAL GAIT, AND DISTINCTIVE FACIAL FEATURES; WDR26-Related Intellectual Disability. Identifiers: Orphanet 513456, MedGen C4539927, MONDO:0054636, OMIM 617616.

Submission:

Dasa
Classification: Uncertain significance for Skraban-Deardorff syndrome. Last evaluated: 2024-11-01. Review status: criteria provided, single submitter. Criteria: DASA Assertion Criteria. Collection method: clinical testing. Allele origin: germline.
Comment: NM_001379403.1(WDR26):c.1292C>T (p.Ser431Phe) is a missense variant that results in the substitution of serine with phenylalanine. This variant is absent from population databases. Computational prediction algorithms are consistent with a deleterious effect. The currently available literature and clinical evidence are not sufficient to establish a definitive association between this variant and the reported condition. Therefore, this variant is classified as a variant of uncertain significance.

NM_001379403.1(WDR26):c.1292C>T (p.Ser431Phe)

Gene: WDR26 (WD repeat domain 26; minus strand). Cytogenetic location: 1q42.12.
Variant type: single nucleotide variant.
Coding change: c.1292C>T on transcript NM_001379403.1 (MANE Select); coding-DNA position 1292, C replaced by T.
Protein change: p.Ser431Phe; replaces serine 431 with phenylalanine.
Molecular consequence: missense variant.
Genome position (GRCh38, 1-based): chr1:224,418,287, G>A on the plus strand (C>T on the coding strand, the complement: WDR26 is on the minus strand). VCF-style: chr1-224418287-G-A. GRCh37 (hg19) VCF-style: chr1-224605989-G-A.
Other names: c.944C>T, p.Ser315Phe (NM_001115113.3); c.992C>T, p.Ser331Phe (NM_025160.7); short protein forms S315F, S331F, S431F.
Identifiers: ClinVar variation 4881762 (VCV004881762.2).